The following is an entry in ClinVar:

ClinVar aggregate classification (germline): Uncertain significance (1 of 4 stars; one submission).

Conditions:
Cardiovascular phenotype. Identifiers: MedGen CN230736.

Submission:

Ambry Genetics
Classification: Uncertain significance for Cardiovascular phenotype. Last evaluated: 2021-02-18. Review status: criteria provided, single submitter. Criteria: Ambry Variant Classification Scheme 2023. Collection method: clinical testing. Allele origin: germline.
Comment: The c.3334_3336delGTT variant (also known as p.V1112del) is located in coding exon 19 of the TTN gene. This variant results from an in-frame GTT deletion at nucleotide positions 3334 to 3336. This results in the in-frame deletion of a valine at codon 1112. This amino acid position is poorly conserved in available vertebrate species. In addition, this alteration is predicted to be deleterious by in silico analysis (Choi Y et al. PLoS ONE. 2012; 7(10):e46688). Since supporting evidence is limited at this time, the clinical significance of this alteration remains unclear.

NM_001267550.2(TTN):c.3469GTT[1] (p.Val1158del)

Gene: TTN (titin; minus strand). Cytogenetic location: 2q31.2.
Variant type: Microsatellite.
Coding change: c.3469GTT[1] on transcript NM_001267550.2 (MANE Select); one copy of the 3-base unit GTT starting at c.3469; the reference has two copies in a row; one copy, 3 bases deleted.
Protein change: p.Val1158del; deletes valine 1158.
Molecular consequence: inframe deletion.
Genome position (GRCh38, 1-based): chr2:178,781,170-178,781,172, AAC deleted on the plus strand (GTT on the coding strand, the reverse complement: TTN is on the minus strand); deleting any 3 consecutive bases within chr2:178,781,170-178,781,177 gives the same sequence; the position shown is the placement nearest the transcript's 3' end. VCF-style (leftmost placement, unchanged base first): chr2-178781169-GAAC-G. GRCh37 (hg19) VCF-style: chr2-179645896-GAAC-G.
Other names: c.3469GTT[1], p.Val1158del (NM_001256850.1, NM_133378.4, NM_133379.5); c.3331GTT[1], p.Val1112del (NM_003319.4, NM_133432.3, NM_133437.4); c.3334_3336delGTT (NM_003319.4); short protein forms V1112del, V1158del.
Identifiers: ClinVar variation 1730335 (VCV001730335.2), dbSNP rs773870868, ClinGen allele CA2005549.
Genomic context (GRCh38, chr2:178,781,169, plus strand): 5'-AGTTGCACTTACCTTCTTCAAGCAAGGAAGCAGATGCAGAAGTTTCTCCATGCTTATTGC[GAAC>G]AACAATAGTGTATTCTCCAGCATCATCAGCAAAAGTCATAGAAATCACCAGCTTGCATTC-3'